The following is an entry in ClinVar:

ClinVar aggregate classification (germline): Uncertain significance (0 of 4 stars; one submission).

Conditions:
PLXNA3-related disorder. Also called: PLXNA3-related condition.

gnomAD v4.1: 8 of 1,209,881 alleles (0.00066%); highest among the groups gnomAD compares: South Asian, 0.0035%; no homozygotes.

Submission:

PreventionGenetics, part of Exact Sciences
Classification: Uncertain significance for PLXNA3-related condition. Last evaluated: 2024-09-12. Review status: no assertion criteria provided. Collection method: clinical testing. Allele origin: germline.
Comment: The PLXNA3 c.1633C>T variant is predicted to result in the amino acid substitution p.Arg545Trp. To our knowledge, this variant has not been reported in the literature. This variant is reported in 0.0079% of alleles in individuals of African descent in gnomAD. At this time, the clinical significance of this variant is uncertain due to the absence of conclusive functional and genetic evidence.

NM_017514.5(PLXNA3):c.1633C>T (p.Arg545Trp)

Gene: PLXNA3 (plexin A3; plus strand). Cytogenetic location: Xq28.
Variant type: single nucleotide variant.
Coding change: c.1633C>T on transcript NM_017514.5 (MANE Select); coding-DNA position 1633, C replaced by T.
Protein change: p.Arg545Trp; replaces arginine 545 with tryptophan.
Molecular consequence: missense variant.
Genome position (GRCh38, 1-based): chrX:154,464,036, C>T. VCF-style: chrX-154464036-C-T. GRCh37 (hg19) VCF-style: chrX-153692379-C-T.
Other names: short protein forms R545W.
Identifiers: ClinVar variation 3351270 (VCV003351270.1).